The following is an entry in ClinVar:

NM_000834.5(GRIN2B):c.104T>C (p.Ile35Thr)

Gene: GRIN2B (glutamate ionotropic receptor NMDA type subunit 2B; minus strand). Cytogenetic location: 12p13.1.
Variant type: single nucleotide variant.
Coding change: c.104T>C on transcript NM_000834.5 (MANE Select); coding-DNA position 104, T replaced by C.
Protein change: p.Ile35Thr; replaces isoleucine 35 with threonine.
Molecular consequence: missense variant.
Genome position (GRCh38, 1-based): chr12:13,866,105, A>G on the plus strand (T>C on the coding strand, the complement: GRIN2B is on the minus strand). VCF-style: chr12-13866105-A-G. GRCh37 (hg19) VCF-style: chr12-14019039-A-G.
Other names: short protein forms I35T.
Identifiers: ClinVar variation 1374734 (VCV001374734.7), dbSNP rs201568626, ClinGen allele CA233148017.
Genomic context (GRCh38, chr12:13,866,105, plus strand): 5'-TCGTGGGCATCCTTGATGGCCACCTCGTCGGAAGTGCCCACGAGGATGACAGCAATGCCA[A>G]TGCTGGGGGGGCTCTTCTGAGAACGAGCTCTGCTGCCTGACACGGCCAGGACGGCCAACA-3'
Protein context (NP_000825.2, residues 25-45): RARSQKSPPS[Ile35Thr]GIAVILVGTS

ClinVar aggregate classification (germline): Conflicting classifications of pathogenicity. Review status: criteria provided, conflicting classifications (1 of 4 stars). 2 submissions from 2 submitters: Uncertain significance (1); Benign (1). Last evaluated 2024-09-23.

Conditions:
Intellectual developmental disorder, autosomal dominant 6, with or without seizures. Also called: GRIN2B-related developmental delay, intellectual disability and autism spectrum disorder; Intellectual disability, autosomal dominant 6. Identifiers: Orphanet 589547, MedGen C3151411, MONDO:0013509, OMIM 613970.
Developmental and epileptic encephalopathy, 27 (DEE27). Also called: GRIN2B-Related Neurodevelopmental Disorder; Epileptic encephalopathy, early infantile, 27. Identifiers: Orphanet 3451, MedGen C4015316, MONDO:0014505, OMIM 616139.

Allele frequency attached by ClinVar (database versions not stated): gnomAD exomes below 0.00001 and 0.00001.
gnomAD v4.1: 14 of 1,613,872 alleles (0.00087%); highest among the groups gnomAD compares: Non-Finnish European, 0.0011%; no homozygotes.

Submissions (2):

Labcorp Genetics (formerly Invitae), Labcorp
Classification: Benign for Developmental and epileptic encephalopathy, 27; Intellectual developmental disorder, autosomal dominant 6, with or without seizures. Last evaluated: 2024-09-23. Review status: criteria provided, single submitter. Criteria: Invitae Variant Classification Sherloc (09022015). Collection method: clinical testing. Allele origin: germline.

GeneDx
Classification: Uncertain significance. Last evaluated: 2022-03-10. Review status: criteria provided, single submitter. Criteria: GeneDx Variant Classification Process June 2021. Collection method: clinical testing. Allele origin: germline. Affected: yes.
Comment: In silico analysis supports that this missense variant does not alter protein structure/function; Has not been previously published as pathogenic or benign to our knowledge